The following is an entry in ClinVar:

ClinVar aggregate classification (germline): Uncertain significance. Review status: criteria provided, multiple submitters, no conflicts (2 of 4 stars). 2 submissions from 2 submitters: Uncertain significance (2). Last evaluated 2022-03-01.

Conditions:
Primary ciliary dyskinesia 20. Also called: CILIARY DYSKINESIA, PRIMARY, 20, WITH OR WITHOUT SITUS INVERSUS. Identifiers: Orphanet 244, MedGen C3540844, MONDO:0014030, OMIM 615067.

Allele frequency attached by ClinVar (database versions not stated): gnomAD exomes below 0.00001; ExAC 0.00001.
gnomAD v4.1: 2 of 1,614,126 alleles (0.00012%); highest among the groups gnomAD compares: African/African-American, 0.0013%; no homozygotes.

Submissions (2):

CeGaT Center for Human Genetics Tuebingen
Classification: Uncertain significance. Last evaluated: 2022-03-01. Review status: criteria provided, single submitter. Criteria: CeGaT Center For Human Genetics Tuebingen Variant Classification Criteria Version 2. Collection method: clinical testing. Allele origin: germline. Affected: yes. Observed: 1 variant allele.
Comment: ODAD1: PM2, BP4

Johns Hopkins Genomics, Johns Hopkins University
Classification: Uncertain significance for Primary ciliary dyskinesia 20. Last evaluated: 2019-07-06. Review status: criteria provided, single submitter. Criteria: ACMG Guidelines, 2015. Collection method: clinical testing. Allele origin: germline.
Comment: This CCDC114 variant (rs751149003) is rare (<0.1%) in a large population dataset (gnomAD: 1/251328 total alleles; 0.0004%; no homozygotes). CCDC114 c.1225C>T has not been reported in ClinVar nor the literature, to our knowledge. Of two bioinformatics tools queried, one predicts that the substitution would be probably damaging, while the second predicts that it would be tolerated. The leucine residue at this position is highly evolutionarily conserved across the species assessed. The clinical significance of c.1225C>T is uncertain at this time.

NM_001364171.2(ODAD1):c.1336C>T (p.Leu446Phe)

Gene: ODAD1 (outer dynein arm docking complex subunit 1; minus strand). Cytogenetic location: 19q13.33.
Variant type: single nucleotide variant.
Coding change: c.1336C>T on transcript NM_001364171.2 (MANE Select); coding-DNA position 1336, C replaced by T.
Protein change: p.Leu446Phe; replaces leucine 446 with phenylalanine.
Molecular consequence: missense variant.
Genome position (GRCh38, 1-based): chr19:48,298,245, G>A on the plus strand (C>T on the coding strand, the complement: ODAD1 is on the minus strand). VCF-style: chr19-48298245-G-A. GRCh37 (hg19) VCF-style: chr19-48801502-G-A.
Other names: c.1225C>T, p.Leu409Phe (NM_144577.4); short protein forms L409F, L446F.
Identifiers: ClinVar variation 691976 (VCV000691976.25), dbSNP rs751149003, ClinGen allele CA9548739.